The following is an entry in ClinVar:

NM_001655.5(ARCN1):c.848C>T (p.Thr283Ile)

Gene: ARCN1 (archain 1 coat protein complex I subunit delta; plus strand). Cytogenetic location: 11q23.3.
Variant type: single nucleotide variant.
Coding change: c.848C>T on transcript NM_001655.5 (MANE Select); coding-DNA position 848, C replaced by T.
Protein change: p.Thr283Ile; replaces threonine 283 with isoleucine.
Molecular consequence: missense variant.
Genome position (GRCh38, 1-based): chr11:118,590,370, C>T. VCF-style: chr11-118590370-C-T. GRCh37 (hg19) VCF-style: chr11-118461085-C-T.
Other names: c.584C>T, p.Thr195Ile (NM_001142281.2); short protein forms T195I, T283I.
Identifiers: ClinVar variation 2093918 (VCV002093918.4), dbSNP rs2497705707, ClinGen allele CA382810778.
Genomic context (GRCh38, chr11:118,590,370, plus strand): 5'-TCTGAACAAATGTATTACTTTCTCTTTATAGTGTACATATGAAGATTGAAGAAAAGATAA[C>T]ATTAACCTGTGGACGAGACGGAGGATTACAGAATATGGAGTTGCATGGCATGATCATGCT-3'
Protein context (NP_001646.2, residues 273-293): SVHMKIEEKI[Thr283Ile]LTCGRDGGLQ

ClinVar aggregate classification (germline): Uncertain significance (1 of 4 stars; one submission).

Allele frequency attached by ClinVar (database versions not stated): gnomAD exomes below 0.00001.
gnomAD v4.1: 2 of 1,613,802 alleles (0.00012%); highest among the groups gnomAD compares: Non-Finnish European, 0.00017%; no homozygotes.

Submission:

Labcorp Genetics (formerly Invitae), Labcorp
Classification: Uncertain significance. Last evaluated: 2023-10-13. Review status: criteria provided, single submitter. Criteria: Invitae Variant Classification Sherloc (09022015). Collection method: clinical testing. Allele origin: germline.
Comment: This sequence change replaces threonine, which is neutral and polar, with isoleucine, which is neutral and non-polar, at codon 283 of the ARCN1 protein (p.Thr283Ile). This variant is not present in population databases (gnomAD no frequency). This variant has not been reported in the literature in individuals affected with ARCN1-related conditions. ClinVar contains an entry for this variant (Variation ID: 2093918). An algorithm developed to predict the effect of missense changes on protein structure and function (PolyPhen-2) suggests that this variant is likely to be tolerated. In summary, the available evidence is currently insufficient to determine the role of this variant in disease. Therefore, it has been classified as a Variant of Uncertain Significance.